The following is an entry in ClinVar:

NM_000179.3(MSH6):c.3654_3671del (p.Thr1221_Ala1226del)

Gene: MSH6 (mutS homolog 6; plus strand). Cytogenetic location: 2p16.3.
Variant type: Deletion.
Coding change: c.3654_3671del on transcript NM_000179.3 (MANE Select); coding-DNA positions 3654 to 3671, 18 bases deleted (TACTGCAACATTTGATGG).
Protein change: p.Thr1221_Ala1226del.
Molecular consequence: inframe deletion.
Genome position (GRCh38, 1-based): chr2:47,806,211-47,806,228, TACTGCAACATTTGATGG deleted; deleting any 18 consecutive bases within chr2:47,806,209-47,806,228 gives the same sequence; the c. name uses the placement nearest the transcript's 3' end. VCF-style (leftmost placement, unchanged base first): chr2-47806208-AGGTACTGCAACATTTGAT-A. GRCh37 (hg19) VCF-style: chr2-48033347-AGGTACTGCAACATTTGAT-A.
Other names: c.3264_3281del, p.Thr1091_Ala1096del (NM_001281492.2); c.2748_2765del, p.Thr919_Ala924del (NM_001281493.2, NM_001281494.2).
Identifiers: ClinVar variation 1040072 (VCV001040072.10), dbSNP rs1670040273, ClinGen allele CA2496053989.
Genomic context (GRCh38, chr2:47,806,208, plus strand): 5'-CCTTTTTTGTTTTAATTCCTTTGAGTTACTTCCTTATGCATATTTTACTTTAACAGGAAG[AGGTACTGCAACATTTGAT>A]GGGACGGCAATAGCAAATGCAGTTGTTAAAGAACTTGCTGAGACTATAAAATGTCGTACA-3'

ClinVar aggregate classification (germline): Uncertain significance (1 of 4 stars; one submission).

Conditions:
Hereditary nonpolyposis colorectal neoplasms. Identifiers: MedGen C0009405, MeSH D003123.

Submission:

Labcorp Genetics (formerly Invitae), Labcorp
Classification: Uncertain significance for Hereditary nonpolyposis colorectal neoplasms. Last evaluated: 2024-04-22. Review status: criteria provided, single submitter. Criteria: Invitae Variant Classification Sherloc (09022015). Collection method: clinical testing. Allele origin: germline.
Comment: This variant, c.3654_3671del, results in the deletion of 6 amino acid(s) of the MSH6 protein (p.Thr1221_Ala1226del), but otherwise preserves the integrity of the reading frame. This variant is not present in population databases (gnomAD no frequency). This variant has not been reported in the literature in individuals affected with MSH6-related conditions. ClinVar contains an entry for this variant (Variation ID: 1040072). Experimental studies and prediction algorithms are not available or were not evaluated, and the functional significance of this variant is currently unknown. In summary, the available evidence is currently insufficient to determine the role of this variant in disease. Therefore, it has been classified as a Variant of Uncertain Significance.